The following is an entry in ClinVar:

ClinVar aggregate classification (germline): Uncertain significance (1 of 4 stars; one submission).

Conditions:
ALDOB-related disorder. Also called: ALDOB-related condition.

Submission:

PreventionGenetics, part of Exact Sciences
Classification: Uncertain significance for ALDOB-related condition. Last evaluated: 2025-07-18. Review status: criteria provided, single submitter. Criteria: ACMG Guidelines, 2015. Collection method: clinical testing. Allele origin: germline.
Comment: The ALDOB c.502G>A variant is predicted to result in the amino acid substitution p.Ala168Thr. To our knowledge, this variant has not been reported in the literature. This variant is reported in 0.0040% of alleles in individuals of African descent in gnomAD. At this time, the clinical significance of this variant is uncertain due to the absence of conclusive functional and genetic evidence.

NM_000035.4(ALDOB):c.502G>A (p.Ala168Thr)

Gene: ALDOB (aldolase, fructose-bisphosphate B; minus strand). Cytogenetic location: 9q31.1.
Variant type: single nucleotide variant.
Coding change: c.502G>A on transcript NM_000035.4 (MANE Select); coding-DNA position 502, G replaced by A.
Protein change: p.Ala168Thr; replaces alanine 168 with threonine.
Molecular consequence: missense variant.
Genome position (GRCh38, 1-based): chr9:101,427,520, C>T on the plus strand (G>A on the coding strand, the complement: ALDOB is on the minus strand). VCF-style: chr9-101427520-C-T. GRCh37 (hg19) VCF-style: chr9-104189802-C-T.
Other names: short protein forms A168T.
Identifiers: ClinVar variation 4996936 (VCV004996936.1).